The following is an entry in ClinVar:

ClinVar aggregate classification (germline): Pathogenic. Review status: criteria provided, multiple submitters, no conflicts (2 of 4 stars). 7 submissions from 7 submitters: Pathogenic (5). 2 of the submissions do not count toward it. Last evaluated 2025-12-11.

Conditions:
NIPAL4-related disorders.
Lamellar ichthyosis. Identifiers: Orphanet 313, MedGen C5848247, MONDO:0017778.
Autosomal recessive congenital ichthyosis 6 (ARCI6). Identifiers: Orphanet 313, Orphanet 79394, MedGen C2677065, MONDO:0012847, OMIM 612281.

Allele frequency attached by ClinVar (database versions not stated): TOPMed 0.00003.

Submissions (7):

Medical and Scientific Branch, Hong Kong Genome Institute
Classification: Pathogenic for Autosomal recessive congenital ichthyosis 6. Last evaluated: 2025-12-11. Review status: criteria provided, single submitter. Criteria: ACMG Guidelines, 2015. Collection method: clinical testing. Allele origin: de novo. Affected: yes.

Blueprint Genetics
Classification: Pathogenic for NIPAL4-related disorders. Last evaluated: 2024-08-01. Review status: criteria provided, single submitter. Criteria: ACMG Guidelines, 2015. Collection method: clinical testing. Allele origin: germline. Affected: yes. Observed: 2 variant alleles.

Fulgent Genetics
Classification: Pathogenic for Autosomal recessive congenital ichthyosis 6. Last evaluated: 2024-03-13. Review status: criteria provided, single submitter. Criteria: ACMG Guidelines, 2015. Collection method: clinical testing. Allele origin: germline.

Women's Health and Genetics/Laboratory Corporation of America, LabCorp
Classification: Pathogenic for Lamellar ichthyosis. Last evaluated: 2024-03-13. Review status: criteria provided, single submitter. Criteria: LabCorp Variant Classification Summary - May 2015. Collection method: clinical testing. Allele origin: germline.
Comment: Variant summary: NIPAL4 c.247C>T (p.Arg83X) results in a premature termination codon, predicted to cause a truncation of the encoded protein or absence of the protein due to nonsense mediated decay, which are commonly known mechanisms for disease. The variant allele was found at a frequency of 3.6e-05 in 247508 control chromosomes. c.247C>T has been reported in the literature in multiple individuals affected with Lamellar Ichthyosis (Lefevre_2004). These data indicate that the variant is very likely to be associated with disease. To our knowledge, no experimental evidence demonstrating an impact on protein function has been reported. The following publication have been ascertained in the context of this evaluation (PMID: 15317751). ClinVar contains an entry for this variant (Variation ID: 1729). Based on the evidence outlined above, the variant was classified as pathogenic.

GeneDx
Classification: Pathogenic. Last evaluated: 2020-06-16. Review status: criteria provided, single submitter. Criteria: GeneDx Variant Classification Process June 2021. Collection method: clinical testing. Allele origin: germline. Affected: yes.
Comment: Nonsense variant predicted to result in protein truncation or nonsense mediated decay in a gene for which loss-of-function is a known mechanism of disease; This variant is associated with the following publications: (PMID: 26456858, 25525159, 31347739, 15317751)

Institute for Human Genetics, University Medical Center Freiburg
Classification: Pathogenic for Autosomal recessive congenital ichthyosis 6. Last evaluated: 2019-05-16. Review status: no assertion criteria provided. Collection method: clinical testing. Allele origin: germline. Affected: yes. Not counted in ClinVar's aggregate classification.

OMIM
Classification: Pathogenic for ICHTHYOSIS, CONGENITAL, AUTOSOMAL RECESSIVE 6. Last evaluated: 2004-10-15. Review status: no assertion criteria provided. Collection method: literature only. Allele origin: germline. Not counted in ClinVar's aggregate classification.

Literature cited by the submitters: PubMed 15317751 (cited by 3 submitters).

NM_001099287.2(NIPAL4):c.247C>T (p.Arg83Ter)

Gene: NIPAL4 (NIPA like domain containing 4; plus strand). Cytogenetic location: 5q33.3.
Variant type: single nucleotide variant.
Coding change: c.247C>T on transcript NM_001099287.2 (MANE Select); coding-DNA position 247, C replaced by T.
Protein change: p.Arg83Ter; replaces arginine 83 with a stop codon.
Molecular consequence: nonsense.
Genome position (GRCh38, 1-based): chr5:157,463,303, C>T. VCF-style: chr5-157463303-C-T. GRCh37 (hg19) VCF-style: chr5-156890311-C-T.
Other names: R83*; c.247C>T, p.Arg83Ter (NM_001172292.2); short protein forms R145*.
Identifiers: ClinVar variation 1729 (VCV000001729.11), dbSNP rs199422216, ClinGen allele CA251936.